The following is an entry in ClinVar:

NM_001243133.2(NLRP3):c.790C>G (p.Leu264Val)

Gene: NLRP3 (NLR family pyrin domain containing 3; plus strand). Cytogenetic location: 1q44.
Variant type: single nucleotide variant.
Coding change: c.790C>G on transcript NM_001243133.2 (MANE Select); coding-DNA position 790, C replaced by G.
Protein change: p.Leu264Val; replaces leucine 264 with valine.
Molecular consequence: missense variant.
Genome position (GRCh38, 1-based): chr1:247,424,239, C>G. VCF-style: chr1-247424239-C-G. GRCh37 (hg19) VCF-style: chr1-247587541-C-G.
Other names: c.790C>G, p.Leu264Val (NM_001079821.3, NM_001127461.3, NM_001127462.3 and 1 more transcripts); c.796C>G, p.Leu266Val (NM_004895.5); short protein forms L266V, L264V.
Identifiers: ClinVar variation 97973 (VCV000097973.25), dbSNP rs180177476, ClinGen allele CA281367.
Genomic context (GRCh38, chr1:247,424,239, plus strand): 5'-GGGACACTCTACCAAGACAGGTTTGACTATCTGTTCTATATCCACTGTCGAGAGGTGAGC[C>G]TTGTGACACAGAGGAGCCTGGGGGACCTGATCATGAGCTGCTGCCCCGACCCAAACCCAC-3'
Protein context (NP_001230062.1, residues 254-274): LFYIHCREVS[Leu264Val]VTQRSLGDLI

ClinVar aggregate classification (germline): Likely pathogenic. Review status: criteria provided, single submitter (1 of 4 stars). 2 submissions from 2 submitters: Likely pathogenic (1). 1 of the submissions does not count toward it. Last evaluated 2023-10-01.

Conditions:
Familial cold autoinflammatory syndrome 1 (FCAS1). Also called: Familial cold inflammatory syndrome 1; CRYOPYRIN-ASSOCIATED PERIODIC SYNDROME 1. Identifiers: Orphanet 47045, MedGen C4551895, MONDO:0007349, OMIM 120100.

Submissions (2):

CeGaT Center for Human Genetics Tuebingen
Classification: Likely pathogenic. Last evaluated: 2023-10-01. Review status: criteria provided, single submitter. Criteria: CeGaT Center For Human Genetics Tuebingen Variant Classification Criteria Version 2. Collection method: clinical testing. Allele origin: germline. Affected: yes. Observed: 1 variant allele.
Comment: NLRP3: PM1, PM2, PM5

Unité médicale des maladies autoinflammatoires, CHRU Montpellier
No classification provided. Condition: Familial cold urticaria. Review status: no classification provided. Collection method: not provided. Allele origin: unknown. Not counted in ClinVar's aggregate classification.
Comment: also involved in OMIM 191900 and 607115